The following is an entry in ClinVar:

ClinVar aggregate classification (germline): Uncertain significance. Review status: criteria provided, multiple submitters, no conflicts (2 of 4 stars). 3 submissions from 3 submitters: Uncertain significance (3). Last evaluated 2026-03-27.

Conditions:
RP1L1-related disorder. Also called: RP1L1-related condition.

gnomAD v4.1: 24 of 1,613,240 alleles (0.0015%); highest among the groups gnomAD compares: African/African-American, 0.0027%; no homozygotes.

Submissions (3):

PreventionGenetics, part of Exact Sciences
Classification: Uncertain significance for RP1L1-related condition. Last evaluated: 2026-03-27. Review status: criteria provided, single submitter. Criteria: ACMG Guidelines, 2015. Collection method: clinical testing. Allele origin: germline.
Comment: The RP1L1 c.329C>G variant is predicted to result in the amino acid substitution p.Pro110Arg. To our knowledge, this variant has not been reported in the literature. This variant is present in 0.0068% of alleles in individuals of African descent in gnomAD. At this time, the clinical significance of this variant is uncertain due to the absence of conclusive functional and genetic evidence.

Labcorp Genetics (formerly Invitae), Labcorp
Classification: Uncertain significance. Last evaluated: 2025-06-27. Review status: criteria provided, single submitter. Criteria: Invitae Variant Classification Sherloc (09022015). Collection method: clinical testing. Allele origin: germline.
Comment: This sequence change replaces proline, which is neutral and non-polar, with arginine, which is basic and polar, at codon 110 of the RP1L1 protein (p.Pro110Arg). This variant is present in population databases (rs536817048, gnomAD 0.007%). This variant has not been reported in the literature in individuals affected with RP1L1-related conditions. ClinVar contains an entry for this variant (Variation ID: 1350353). Invitae Evidence Modeling of protein sequence and biophysical properties (such as structural, functional, and spatial information, amino acid conservation, physicochemical variation, residue mobility, and thermodynamic stability) indicates that this missense variant is not expected to disrupt RP1L1 protein function with a negative predictive value of 80%. In summary, the available evidence is currently insufficient to determine the role of this variant in disease. Therefore, it has been classified as a Variant of Uncertain Significance.

Blueprint Genetics
Classification: Uncertain significance. Last evaluated: 2019-07-30. Review status: criteria provided, single submitter. Criteria: ACMG Guidelines, 2015. Collection method: clinical testing. Allele origin: germline.

NM_178857.6(RP1L1):c.329C>G (p.Pro110Arg)

Gene: RP1L1 (RP1 like 1). Cytogenetic location: 8p23.1.
Variant type: single nucleotide variant.
Coding change: c.329C>G on transcript NM_178857.6 (MANE Select); coding-DNA position 329, C replaced by G.
Protein change: p.Pro110Arg; replaces proline 110 with arginine.
Molecular consequence: missense variant.
Genome position (GRCh38, 1-based): chr8:10,622,873, G>C on the plus strand (C>G on the coding strand, the complement: RP1L1 is on the minus strand). VCF-style: chr8-10622873-G-C. GRCh37 (hg19) VCF-style: chr8-10480383-G-C.
Other names: c.329C>G (NM_178857.5); short protein forms P110R.
Identifiers: ClinVar variation 1350353 (VCV001350353.10), dbSNP rs536817048, ClinGen allele CA4625756.